The following is an entry in ClinVar:

ClinVar aggregate classification (germline): Uncertain significance (1 of 4 stars; one submission).

Conditions:
Early-infantile DEE. Also called: Ohtahara syndrome; Early infantile epileptic encephalopathy with suppression bursts; Early infantile epileptic encephalopathy. Identifiers: Orphanet 1934, MedGen C0393706, MONDO:0800491.

gnomAD v4.1: 1 of 1,614,186 alleles (0.000062%); highest among the groups gnomAD compares: Non-Finnish European, 0.000085%; no homozygotes.

Submission:

Labcorp Genetics (formerly Invitae), Labcorp
Classification: Uncertain significance for Early-infantile DEE. Last evaluated: 2024-03-28. Review status: criteria provided, single submitter. Criteria: Invitae Variant Classification Sherloc (09022015). Collection method: clinical testing. Allele origin: germline.
Comment: This sequence change replaces asparagine, which is neutral and polar, with isoleucine, which is neutral and non-polar, at codon 1883 of the SPTAN1 protein (p.Asn1883Ile). This variant is not present in population databases (gnomAD no frequency). This variant has not been reported in the literature in individuals affected with SPTAN1-related conditions. Advanced modeling of protein sequence and biophysical properties (such as structural, functional, and spatial information, amino acid conservation, physicochemical variation, residue mobility, and thermodynamic stability) has been performed at Invitae for this missense variant, however the output from this modeling did not meet the statistical confidence thresholds required to predict the impact of this variant on SPTAN1 protein function. In summary, the available evidence is currently insufficient to determine the role of this variant in disease. Therefore, it has been classified as a Variant of Uncertain Significance.

NM_001130438.3(SPTAN1):c.5648A>T (p.Asn1883Ile)

Gene: SPTAN1 (spectrin alpha, non-erythrocytic 1; plus strand). Cytogenetic location: 9q34.11.
Variant type: single nucleotide variant.
Coding change: c.5648A>T on transcript NM_001130438.3 (MANE Select); coding-DNA position 5648, A replaced by T.
Protein change: p.Asn1883Ile; replaces asparagine 1883 with isoleucine.
Molecular consequence: missense variant.
Genome position (GRCh38, 1-based): chr9:128,618,918, A>T. VCF-style: chr9-128618918-A-T. GRCh37 (hg19) VCF-style: chr9-131381197-A-T.
Other names: c.5648A>T, p.Asn1883Ile (NM_001375311.2, NM_001375313.1, NM_001363759.2 and 1 more transcripts); c.5684A>T, p.Asn1895Ile (NM_001375312.2, NM_001375318.1); c.5588A>T, p.Asn1863Ile (NM_001375314.2, NM_001363765.2); c.5633A>T, p.Asn1878Ile (NM_003127.4); c.5573A>T, p.Asn1858Ile (NM_001195532.2); short protein forms N1863I, N1895I, N1858I, N1878I, N1883I.
Identifiers: ClinVar variation 3714287 (VCV003714287.2).